The following is an entry in ClinVar:

NM_007272.3(CTRC):c.436G>A (p.Asp146Asn)

Gene: CTRC (chymotrypsin C; plus strand). Cytogenetic location: 1p36.21.
Variant type: single nucleotide variant.
Coding change: c.436G>A on transcript NM_007272.3 (MANE Select); coding-DNA position 436, G replaced by A.
Protein change: p.Asp146Asn; replaces aspartic acid 146 with asparagine.
Molecular consequence: missense variant.
Genome position (GRCh38, 1-based): chr1:15,443,498, G>A. VCF-style: chr1-15443498-G-A. GRCh37 (hg19) VCF-style: chr1-15769993-G-A.
Other names: short protein forms D146N.
Identifiers: ClinVar variation 1740076 (VCV001740076.2), dbSNP rs773276396, ClinGen allele CA613338.

ClinVar aggregate classification (germline): Uncertain significance (1 of 4 stars; one submission).

Conditions:
Hereditary pancreatitis (PCTT). Also called: Hereditary chronic pancreatitis; PRSS1-Related Hereditary Pancreatitis. Identifiers: Orphanet 676, MedGen C0238339, MONDO:0008185, OMIM 167800.

Allele frequency attached by ClinVar (database versions not stated): ExAC 0.00001.
gnomAD v4.1: 1 of 1,614,222 alleles (0.000062%); highest among the groups gnomAD compares: Non-Finnish European, 0.000085%; no homozygotes.

Submission:

Ambry Genetics
Classification: Uncertain significance for Hereditary pancreatitis. Last evaluated: 2022-02-17. Review status: criteria provided, single submitter. Criteria: Ambry Variant Classification Scheme 2023. Collection method: clinical testing. Allele origin: germline.
Comment: The p.D146N variant (also known as c.436G>A), located in coding exon 5 of the CTRC gene, results from a G to A substitution at nucleotide position 436. The aspartic acid at codon 146 is replaced by asparagine, an amino acid with highly similar properties. This amino acid position is conserved. In addition, this alteration is predicted to be tolerated by in silico analysis. Since supporting evidence is limited at this time, the clinical significance of this alteration remains unclear.